The following is an entry in ClinVar:

NM_000093.5(COL5A1):c.5482G>A (p.Gly1828Arg)

Genes: COL5A1 (collagen type V alpha 1 chain; plus strand), LOC101448202 (uncharacterized LOC101448202; minus strand). Cytogenetic location: 9q34.3.
Variant type: single nucleotide variant.
Coding change: c.5482G>A on transcript NM_000093.5 (MANE Select); coding-DNA position 5482, G replaced by A.
Protein change: p.Gly1828Arg; replaces glycine 1828 with arginine.
Molecular consequence: missense variant.
Genome position (GRCh38, 1-based): chr9:134,842,268, G>A. VCF-style: chr9-134842268-G-A. GRCh37 (hg19) VCF-style: chr9-137734114-G-A.
Other names: c.5482G>A, p.Gly1828Arg (NM_001278074.1); short protein forms G1828R.
Identifiers: ClinVar variation 4536847 (VCV004536847.1).

ClinVar aggregate classification (germline): Uncertain significance (1 of 4 stars; one submission).

Submission:

Women's Health and Genetics/Laboratory Corporation of America, LabCorp
Classification: Uncertain significance. Last evaluated: 2025-11-11. Review status: criteria provided, single submitter. Criteria: LabCorp Variant Classification Summary - May 2015. Collection method: clinical testing. Allele origin: germline.
Comment: Variant summary: COL5A1 c.5482G>A (p.Gly1828Arg) results in a non-conservative amino acid change located in the Fibrillar collagen C-terminal domain of the encoded protein sequence. Algorithms developed to predict the effect of missense changes on protein structure and function all suggest that this variant is likely to be disruptive. The variant was absent in 251246 control chromosomes. The available data on variant occurrences in the general population are insufficient to allow any conclusion about variant significance. To our knowledge, no occurrence of c.5482G>A in individuals affected with COL5A1-related conditions and no experimental evidence demonstrating its impact on protein function have been reported. No submitters have cited clinical-significance assessments for this variant to ClinVar. Based on the evidence outlined above, the variant was classified as uncertain significance.